The following is an entry in ClinVar:

ClinVar aggregate classification (germline): Conflicting classifications of pathogenicity. Review status: criteria provided, conflicting classifications (1 of 4 stars). 4 submissions from 4 submitters: Uncertain significance (3); Likely benign (1). Last evaluated 2024-09-27.

Conditions:
Inborn genetic diseases. Identifiers: MedGen C0950123, MeSH D030342.
Sotos syndrome (SOTOS). Also called: CEREBRAL GIGANTISM; Sotos' syndrome; Distinctive facial appearance, overgrowth in childhood, and learning disabilities or delayed development; CHROMOSOME 5q35 DELETION SYNDROME; SOTOS SYNDROME 1. Identifiers: Orphanet 821, MedGen C0175695, MONDO:0019349, OMIM 117550.

Allele frequency attached by ClinVar (database versions not stated): gnomAD exomes below 0.00001; TOPMed below 0.00001.
gnomAD v4.1: 7 of 1,614,198 alleles (0.00043%); highest among the groups gnomAD compares: Non-Finnish European, 0.00059%; no homozygotes.

Submissions (4):

Labcorp Genetics (formerly Invitae), Labcorp
Classification: Uncertain significance. Last evaluated: 2024-09-27. Review status: criteria provided, single submitter. Criteria: Invitae Variant Classification Sherloc (09022015). Collection method: clinical testing. Allele origin: germline.
Comment: This sequence change replaces lysine, which is basic and polar, with methionine, which is neutral and non-polar, at codon 2067 of the NSD1 protein (p.Lys2067Met). This variant is not present in population databases (gnomAD no frequency). This variant has not been reported in the literature in individuals affected with NSD1-related conditions. ClinVar contains an entry for this variant (Variation ID: 1193342). Invitae Evidence Modeling of protein sequence and biophysical properties (such as structural, functional, and spatial information, amino acid conservation, physicochemical variation, residue mobility, and thermodynamic stability) indicates that this missense variant is expected to disrupt NSD1 protein function with a positive predictive value of 95%. In summary, the available evidence is currently insufficient to determine the role of this variant in disease. Therefore, it has been classified as a Variant of Uncertain Significance.

Institute of Human Genetics, University of Leipzig Medical Center
Classification: Likely benign for Sotos syndrome. Last evaluated: 2023-03-01. Review status: criteria provided, single submitter. Criteria: ACMG Guidelines, 2015. Collection method: clinical testing. Allele origin: maternal. Inheritance: Autosomal dominant inheritance. Affected: yes.
Comment: Criteria applied: PP2,PP3, BS2, BS1

Ambry Genetics
Classification: Uncertain significance for Inborn genetic diseases. Last evaluated: 2021-08-02. Review status: criteria provided, single submitter. Criteria: Ambry Variant Classification Scheme 2023. Collection method: clinical testing. Allele origin: germline.

GeneDx
Classification: Uncertain significance. Last evaluated: 2020-05-05. Review status: criteria provided, single submitter. Criteria: GeneDx Variant Classification Process June 2021. Collection method: clinical testing. Allele origin: germline. Affected: yes.
Comment: Not observed in large population cohorts (Lek et al., 2016); In silico analysis supports that this missense variant has a deleterious effect on protein structure/function; Has not been previously published as pathogenic or benign to our knowledge

NM_022455.5(NSD1):c.6200A>T (p.Lys2067Met)

Gene: NSD1 (nuclear receptor binding SET domain protein 1; plus strand). Cytogenetic location: 5q35.3.
Variant type: single nucleotide variant.
Coding change: c.6200A>T on transcript NM_022455.5 (MANE Select); coding-DNA position 6200, A replaced by T.
Protein change: p.Lys2067Met; replaces lysine 2067 with methionine.
Molecular consequence: missense variant.
Genome position (GRCh38, 1-based): chr5:177,288,867, A>T. VCF-style: chr5-177288867-A-T. GRCh37 (hg19) VCF-style: chr5-176715868-A-T.
Other names: c.5327A>T, p.Lys1776Met (NM_001365684.2, NM_001409308.1, NM_172349.5); c.6200A>T, p.Lys2067Met (NM_001409301.1, NM_001409302.1, NM_001409303.1); c.5780A>T, p.Lys1927Met (NM_001409304.1); c.5447A>T, p.Lys1816Met (NM_001409305.1); c.5438A>T, p.Lys1813Met (NM_001409306.1, NM_001409307.1); short protein forms K1798M, K2067M, K1776M, K1816M, K1927M, K1813M.
Identifiers: ClinVar variation 1193342 (VCV001193342.11), dbSNP rs1759549616, ClinGen allele CA362318065.
Genomic context (GRCh38, chr5:177,288,867, plus strand): 5'-TCTCTTATGCAGGCACTGAACTTACCTTCAACTACAACCTAGAATGTCTTGGGAATGGAA[A>T]GACTGTTTGCAAATGTGGAGCCCCGAACTGCAGTGGCTTCTTGGGTGTAAGGCCAAAGGT-3'
Protein context (NP_071900.2, residues 2057-2077): NYNLECLGNG[Lys2067Met]TVCKCGAPNC